The following is an entry in ClinVar:

NM_000051.4(ATM):c.5376A>T (p.Ile1792=)

Gene: ATM (ATM serine/threonine kinase; plus strand). Cytogenetic location: 11q22.3.
Variant type: single nucleotide variant.
Coding change: c.5376A>T on transcript NM_000051.4 (MANE Select); coding-DNA position 5376, A replaced by T.
Protein change: p.Ile1792=; no amino-acid change (isoleucine 1792 retained).
Molecular consequence: synonymous variant.
Genome position (GRCh38, 1-based): chr11:108,302,909, A>T. VCF-style: chr11-108302909-A-T. GRCh37 (hg19) VCF-style: chr11-108173636-A-T.
Other names: c.5376A>T, p.Ile1792= (NM_001351834.2).
Identifiers: ClinVar variation 481339 (VCV000481339.14), dbSNP rs1287734608, ClinGen allele CA476674919.

ClinVar aggregate classification (germline): Benign/Likely benign. Review status: criteria provided, multiple submitters, no conflicts (2 of 4 stars). 5 submissions from 5 submitters: Benign (1); Likely benign (4). Last evaluated 2025-12-14.

Conditions:
Familial cancer of breast. Also called: BREAST CANCER, FAMILIAL; Hereditary breast cancer; hereditary breast carcinoma. Identifiers: Orphanet 227535, MedGen C0346153, MONDO:0016419, OMIM 114480. Disease mechanism: loss of function.
Hereditary cancer-predisposing syndrome. Also called: Hereditary neoplastic syndrome; Neoplastic Syndromes, Hereditary; Tumor predisposition; Hereditary Cancer Syndrome. Identifiers: Orphanet 140162, MedGen C0027672, MeSH D009386, MONDO:0015356.
Ataxia-telangiectasia syndrome (AT). Also called: LOUIS-BAR SYNDROME; Cerebello-oculocutaneous telangiectasia; Immunodeficiency with ataxia telangiectasia; AT, COMPLEMENTATION GROUP C; Ataxia-telangiectasia, complementation group D; ATAXIA-TELANGIECTASIA, COMPLEMENTATION GROUP A. Identifiers: Orphanet 100, MedGen C0004135, MONDO:0008840, OMIM 208900.

Allele frequency attached by ClinVar (database versions not stated): TOPMed 0.00001.

Submissions (5):

Labcorp Genetics (formerly Invitae), Labcorp
Classification: Likely benign for Ataxia-telangiectasia syndrome. Last evaluated: 2025-12-14. Review status: criteria provided, single submitter. Criteria: Invitae Variant Classification Sherloc (09022015). Collection method: clinical testing. Allele origin: germline.

Women's Health and Genetics/Laboratory Corporation of America, LabCorp
Classification: Likely benign. Last evaluated: 2025-09-22. Review status: criteria provided, single submitter. Criteria: LabCorp Variant Classification Summary - May 2015. Collection method: clinical testing. Allele origin: germline.

Myriad Genetics, Inc.
Classification: Benign for Familial cancer of breast. Last evaluated: 2024-05-23. Review status: criteria provided, single submitter. Criteria: Myriad Autosomal Dominant, Autosomal Recessive and X-Linked Classification Criteria (2023). Collection method: clinical testing. Allele origin: unknown.
Comment: This variant is considered benign. This variant is a silent/synonymous amino acid change and it is not expected to impact splicing.

Color Diagnostics, LLC DBA Color Health
Classification: Likely benign for Hereditary cancer-predisposing syndrome. Last evaluated: 2019-11-22. Review status: criteria provided, single submitter. Criteria: ACMG Guidelines, 2015. Collection method: clinical testing. Allele origin: germline.

Ambry Genetics
Classification: Likely benign for Hereditary cancer-predisposing syndrome. Last evaluated: 2017-04-18. Review status: criteria provided, single submitter. Criteria: Ambry Variant Classification Scheme 2023. Collection method: clinical testing. Allele origin: germline.